The following is an entry in ClinVar:

ClinVar aggregate classification (germline): Uncertain significance. Review status: criteria provided, multiple submitters, no conflicts (2 of 4 stars). 2 submissions from 2 submitters: Uncertain significance (2). Last evaluated 2022-11-01.

Conditions:
Cohen syndrome (COH1). Also called: PEPPER SYNDROME; Cutis verticis gyrata, retinitis pigmentosa, and sensorineural deafness. Identifiers: Orphanet 193, MedGen C0265223, MONDO:0008999, OMIM 216550.
Inborn genetic diseases. Identifiers: MedGen C0950123, MeSH D030342.

Allele frequency attached by ClinVar (database versions not stated): ExAC 0.00001; gnomAD exomes 0.00001.
gnomAD v4.1: 3 of 1,613,952 alleles (0.00019%); highest among the groups gnomAD compares: South Asian, 0.0011%; no homozygotes.

Submissions (2):

Labcorp Genetics (formerly Invitae), Labcorp
Classification: Uncertain significance for Cohen syndrome. Last evaluated: 2022-11-01. Review status: criteria provided, single submitter. Criteria: Invitae Variant Classification Sherloc (09022015). Collection method: clinical testing. Allele origin: germline.
Comment: In summary, the available evidence is currently insufficient to determine the role of this variant in disease. Therefore, it has been classified as a Variant of Uncertain Significance. Advanced modeling of protein sequence and biophysical properties (such as structural, functional, and spatial information, amino acid conservation, physicochemical variation, residue mobility, and thermodynamic stability) performed at Invitae indicates that this missense variant is expected to disrupt VPS13B protein function. This variant has not been reported in the literature in individuals affected with VPS13B-related conditions. This variant is present in population databases (rs780314838, gnomAD 0.003%). This sequence change replaces aspartic acid, which is acidic and polar, with glycine, which is neutral and non-polar, at codon 191 of the VPS13B protein (p.Asp191Gly).

Ambry Genetics
Classification: Uncertain significance for Inborn genetic diseases. Last evaluated: 2021-07-26. Review status: criteria provided, single submitter. Criteria: Ambry Variant Classification Scheme 2023. Collection method: clinical testing. Allele origin: germline.

NM_152564.5(VPS13B):c.572A>G (p.Asp191Gly)

Gene: VPS13B (vacuolar protein sorting 13 homolog B; plus strand). Cytogenetic location: 8q22.2.
Variant type: single nucleotide variant.
Coding change: c.572A>G on transcript NM_152564.5 (MANE Select); coding-DNA position 572, A replaced by G.
Protein change: p.Asp191Gly; replaces aspartic acid 191 with glycine.
Molecular consequence: missense variant. On other transcripts: non-coding transcript variant (1).
Genome position (GRCh38, 1-based): chr8:99,103,112, A>G. VCF-style: chr8-99103112-A-G. GRCh37 (hg19) VCF-style: chr8-100115340-A-G.
Other names: c.572A>G, p.Asp191Gly (NM_015243.3, NM_017890.5, NM_181661.3); short protein forms D191G.
Identifiers: ClinVar variation 2049886 (VCV002049886.5), dbSNP rs780314838, ClinGen allele CA4822412.
Genomic context (GRCh38, chr8:99,103,112, plus strand): 5'-TCAATATCACTTCTGCAGAATGTTATACAGTAGGTGAATTATGGGATCGTGCATTCATGG[A>G]TATTTCTGGTGAGTAAATATGGAGAATACCGTATATTTTTCCATAATTGAAACAATTACC-3'
Protein context (NP_689777.3, residues 181-201): VGELWDRAFM[Asp191Gly]ISATDLVLRK